The following is an entry in ClinVar:

ClinVar aggregate classification (germline): Benign/Likely benign. Review status: criteria provided, multiple submitters, no conflicts (2 of 4 stars). 6 submissions from 6 submitters: Benign (1); Likely benign (5). Last evaluated 2025-10-27.

Conditions:
Arrhythmogenic right ventricular dysplasia 5. Also called: Arrhythmogenic Right Ventricular Dysplasia/Cardiomyopathy 5; ARRHYTHMOGENIC RIGHT VENTRICULAR DYSPLASIA, FAMILIAL, 5. Identifiers: MedGen C1858379, MONDO:0011459, OMIM 604400.
Cardiovascular phenotype. Identifiers: MedGen CN230736.
Cardiomyopathy (CMYO). Also called: Cardiomyopathies. Identifiers: Orphanet 167848, MedGen C0878544, MONDO:0004994, HP:0001638. Inheritance: Various modes of inheritance.

Allele frequency attached by ClinVar (database versions not stated): gnomAD exomes 0.00002; gnomAD 0.00003; TOPMed 0.00003.
gnomAD v4.1: 63 of 1,613,666 alleles (0.0039%); highest among the groups gnomAD compares: Non-Finnish European, 0.005%; no homozygotes.

Submissions (6):

Labcorp Genetics (formerly Invitae), Labcorp
Classification: Likely benign for Arrhythmogenic right ventricular dysplasia 5. Last evaluated: 2025-10-27. Review status: criteria provided, single submitter. Criteria: Invitae Variant Classification Sherloc (09022015). Collection method: clinical testing. Allele origin: germline.

Women's Health and Genetics/Laboratory Corporation of America, LabCorp
Classification: Likely benign. Last evaluated: 2024-03-28. Review status: criteria provided, single submitter. Criteria: LabCorp Variant Classification Summary - May 2015. Collection method: clinical testing. Allele origin: germline.

All of Us Research Program, National Institutes of Health
Classification: Likely benign for Arrhythmogenic right ventricular dysplasia 5. Last evaluated: 2024-01-11. Review status: criteria provided, single submitter. Criteria: ACMG Guidelines, 2015. Collection method: clinical testing. Allele origin: germline. Inheritance: Autosomal dominant inheritance. Observed: 11 variant alleles, 11 heterozygotes.
Comment: This study involves interpretation of variants in research participants for the purpose of population health screening. Participant phenotype was not available at the time of variant classification. Additional details can be found in publication PMID: 35346344, PMCID: PMC8962531

Color Diagnostics, LLC DBA Color Health
Classification: Likely benign for Cardiomyopathy. Last evaluated: 2019-01-21. Review status: criteria provided, single submitter. Criteria: ACMG Guidelines, 2015. Collection method: clinical testing. Allele origin: germline.

Ambry Genetics
Classification: Likely benign for Cardiovascular phenotype. Last evaluated: 2016-09-23. Review status: criteria provided, single submitter. Criteria: Ambry Variant Classification Scheme 2023. Collection method: clinical testing. Allele origin: germline.

GeneDx
Classification: Benign. Last evaluated: 2016-07-18. Review status: criteria provided, single submitter. Criteria: GeneDx Variant Classification Process June 2021. Collection method: clinical testing. Allele origin: germline. Affected: yes.

NM_024334.3(TMEM43):c.189A>G (p.Ser63=)

Gene: TMEM43 (transmembrane protein 43; plus strand). Cytogenetic location: 3p25.1.
Variant type: single nucleotide variant.
Coding change: c.189A>G on transcript NM_024334.3 (MANE Select); coding-DNA position 189, A replaced by G.
Protein change: p.Ser63=; no amino-acid change (serine 63 retained).
Molecular consequence: synonymous variant.
Genome position (GRCh38, 1-based): chr3:14,130,848, A>G. VCF-style: chr3-14130848-A-G. GRCh37 (hg19) VCF-style: chr3-14172348-A-G.
Identifiers: ClinVar variation 519300 (VCV000519300.20), dbSNP rs934304715, ClinGen allele CA69728983.
Genomic context (GRCh38, chr3:14,130,848, plus strand): 5'-AGCTGTTGAAATCCCCACTCCCCTTTGCTCCCAGGGCCGCGCATTGAAGACGGCAACCTC[A>G]TTGGCTGAGGGGCTCTCGCTTGTGGTGTCTCCCGACAGCATCCACAGTGTGGCTCCGGAG-3'
Protein context (NP_077310.1, residues 53-73): NEGRALKTAT[Ser63=]LAEGLSLVVS